The following is an entry in ClinVar:

ClinVar aggregate classification (germline): Conflicting classifications of pathogenicity. Review status: criteria provided, conflicting classifications (1 of 4 stars). 4 submissions from 4 submitters: Uncertain significance (1); Benign (1); Likely benign (2). Last evaluated 2025-12-03.

Conditions:
Emery-Dreifuss muscular dystrophy 5, autosomal dominant (EDMD5). Also called: EMERY-DREIFUSS MUSCULAR DYSTROPHY 5. Identifiers: Orphanet 261, MedGen C2751805, MONDO:0013072, OMIM 612999.

Allele frequency attached by ClinVar (database versions not stated): gnomAD exomes 0.00032 and 0.00061; gnomAD 0.00034 and 0.00037; TOPMed 0.00034; ExAC 0.00041; ESP Exome Variant Server 0.00042.
gnomAD v4.1: 921 of 1,614,062 alleles (0.057%); highest among the groups gnomAD compares: Non-Finnish European, 0.075%; 2 homozygotes.

Submissions (4):

Labcorp Genetics (formerly Invitae), Labcorp
Classification: Likely benign for Emery-Dreifuss muscular dystrophy 5, autosomal dominant. Last evaluated: 2025-12-03. Review status: criteria provided, single submitter. Criteria: Invitae Variant Classification Sherloc (09022015). Collection method: clinical testing. Allele origin: germline.

Revvity Omics, Revvity
Classification: Likely benign for Emery-Dreifuss muscular dystrophy 5, autosomal dominant. Last evaluated: 2024-12-26. Review status: criteria provided, single submitter. Criteria: ACMG Guidelines, 2015. Collection method: clinical testing. Allele origin: germline.

Athena Diagnostics
Classification: Uncertain significance. Last evaluated: 2020-12-08. Review status: criteria provided, single submitter. Criteria: Athena Diagnostics criteria. Collection method: clinical testing. Allele origin: unknown.

Illumina Laboratory Services, Illumina
Classification: Benign for Emery-Dreifuss muscular dystrophy 5, autosomal dominant. Last evaluated: 2018-01-13. Review status: criteria provided, single submitter. Criteria: ICSL Variant Classification Criteria 13 December 2019. Collection method: clinical testing. Allele origin: germline.
Comment: This variant was observed in the ICSL laboratory as part of a predisposition screen in an ostensibly healthy population. It had not been previously curated by ICSL or reported in the Human Gene Mutation Database (HGMD: prior to June 1st, 2018), and was therefore a candidate for classification through an automated scoring system. Utilizing variant allele frequency, disease prevalence and penetrance estimates, and inheritance mode, an automated score was calculated to assess if this variant is too frequent to cause the disease. Based on the score and internal cut-off values, a variant classified as benign is not then subjected to further curation. The score for this variant resulted in a classification of benign for this disease.

NM_182914.3(SYNE2):c.2270T>C (p.Leu757Ser)

Gene: SYNE2 (spectrin repeat containing nuclear envelope protein 2; plus strand). Cytogenetic location: 14q23.2.
Variant type: single nucleotide variant.
Coding change: c.2270T>C on transcript NM_182914.3 (MANE Select); coding-DNA position 2270, T replaced by C.
Protein change: p.Leu757Ser; replaces leucine 757 with serine.
Molecular consequence: missense variant.
Genome position (GRCh38, 1-based): chr14:63,986,574, T>C. VCF-style: chr14-63986574-T-C. GRCh37 (hg19) VCF-style: chr14-64453292-T-C.
Other names: c.2270T>C, p.Leu757Ser (NM_015180.6); short protein forms L757S.
Identifiers: ClinVar variation 313494 (VCV000313494.20), dbSNP rs200319405, ClinGen allele CA7219646.